The following is an entry in ClinVar:

ClinVar aggregate classification (germline): Pathogenic (1 of 4 stars; one submission).

Submission:

Labcorp Genetics (formerly Invitae), Labcorp
Classification: Pathogenic. Last evaluated: 2023-01-20. Review status: criteria provided, single submitter. Criteria: Invitae Variant Classification Sherloc (09022015). Collection method: clinical testing. Allele origin: germline.
Comment: For these reasons, this variant has been classified as Pathogenic. This variant has not been reported in the literature in individuals affected with NDUFV1-related conditions. This variant is not present in population databases (gnomAD no frequency). This sequence change creates a premature translational stop signal (p.Leu113Argfs*3) in the NDUFV1 gene. It is expected to result in an absent or disrupted protein product. Loss-of-function variants in NDUFV1 are known to be pathogenic (PMID: 10080174, 11349233).

Literature cited by the submitters: PubMed 10080174; PubMed 11349233.

NM_007103.4(NDUFV1):c.338del (p.Leu113fs)

Gene: NDUFV1 (NADH:ubiquinone oxidoreductase core subunit V1; plus strand). Cytogenetic location: 11q13.2.
Variant type: Deletion.
Coding change: c.338del on transcript NM_007103.4 (MANE Select); coding-DNA position 338, one base deleted (T; older notation c.338delT).
Protein change: p.Leu113fs; shifts the reading frame from leucine 113.
Molecular consequence: frameshift variant.
Genome position (GRCh38, 1-based): chr11:67,609,463, T deleted. VCF-style (leftmost placement, unchanged base first): chr11-67609462-CT-C. GRCh37 (hg19) VCF-style: chr11-67376933-CT-C.
Other names: c.311del, p.Leu104fs (NM_001166102.2); short protein forms L104fs, L113fs.
Identifiers: ClinVar variation 2830437 (VCV002830437.3), dbSNP rs2495717980, ClinGen allele CA2739270641.
Genomic context (GRCh38, chr11:67,609,462, plus strand): 5'-GACCCAGTCCTGATGGCCCTGTAGCCTGTCTGACCTGTGGGCCCCTGCAGGCCCAAGTAT[CT>C]GGTGGTGAACGCAGACGAGGGGGAGCCGGGCACCTGCAAGGACCGGGAGATCTTACGCCA-3'